The following is an entry in ClinVar:

ClinVar aggregate classification (germline): Uncertain significance. Review status: criteria provided, single submitter (1 of 4 stars). 3 submissions from 3 submitters: Uncertain significance (1). 2 of the submissions do not count toward it. Last evaluated 2022-01-11.

Conditions:
Left ventricular noncompaction 8 (LVNC8). Identifiers: Orphanet 154, Orphanet 54260, MedGen C3809288, MONDO:0014152, OMIM 615373.

Allele frequency attached by ClinVar (database versions not stated): TOPMed below 0.00001; ExAC 0.00001.
gnomAD v4.1: 4 of 1,613,918 alleles (0.00025%); highest among the groups gnomAD compares: Admixed American, 0.0033%; no homozygotes.

Submissions (3):

Labcorp Genetics (formerly Invitae), Labcorp
Classification: Uncertain significance for Left ventricular noncompaction 8. Last evaluated: 2022-01-11. Review status: criteria provided, single submitter. Criteria: Invitae Variant Classification Sherloc (09022015). Collection method: clinical testing. Allele origin: germline.
Comment: This sequence change replaces proline, which is neutral and non-polar, with arginine, which is basic and polar, at codon 1249 of the PRDM16 protein (p.Pro1249Arg). This variant is present in population databases (rs764863295, gnomAD 0.009%). In summary, the available evidence is currently insufficient to determine the role of this variant in disease. Therefore, it has been classified as a Variant of Uncertain Significance. Algorithms developed to predict the effect of missense changes on protein structure and function (SIFT, PolyPhen-2, Align-GVGD) all suggest that this variant is likely to be tolerated. ClinVar contains an entry for this variant (Variation ID: 1284318). This variant has not been reported in the literature in individuals affected with PRDM16-related conditions.

Clinical Genetics DNA and cytogenetics Diagnostics Lab, Erasmus MC, Erasmus Medical Center
Classification: Uncertain significance. Review status: no assertion criteria provided. Collection method: clinical testing. Allele origin: germline. Affected: yes. Study: VKGL Data-share Consensus. Not counted in ClinVar's aggregate classification.

Clinical Genetics, Academic Medical Center
Classification: Uncertain significance. Review status: no assertion criteria provided. Collection method: clinical testing. Allele origin: germline. Affected: yes. Study: VKGL Data-share Consensus. Not counted in ClinVar's aggregate classification.

NM_022114.4(PRDM16):c.3746C>G (p.Pro1249Arg)

Gene: PRDM16 (PR/SET domain 16; plus strand). Cytogenetic location: 1p36.32.
Variant type: single nucleotide variant.
Coding change: c.3746C>G on transcript NM_022114.4 (MANE Select); coding-DNA position 3746, C replaced by G.
Protein change: p.Pro1249Arg; replaces proline 1249 with arginine.
Molecular consequence: missense variant. On other transcripts: intron variant (1).
Genome position (GRCh38, 1-based): chr1:3,433,726, C>G. VCF-style: chr1-3433726-C-G. GRCh37 (hg19) VCF-style: chr1-3350290-C-G.
Other names: c.3697-8C>G (NM_199454.3); short protein forms P1249R.
Identifiers: ClinVar variation 1284318 (VCV001284318.8), dbSNP rs764863295, ClinGen allele CA544974.